The following is an entry in ClinVar:

NM_000222.3(KIT):c.2829C>G (p.Ser943Arg)

Gene: KIT (KIT proto-oncogene, receptor tyrosine kinase; plus strand). Cytogenetic location: 4q12.
Variant type: single nucleotide variant.
Coding change: c.2829C>G on transcript NM_000222.3 (MANE Select); coding-DNA position 2829, C replaced by G.
Protein change: p.Ser943Arg; replaces serine 943 with arginine.
Molecular consequence: missense variant.
Genome position (GRCh38, 1-based): chr4:54,738,455, C>G. VCF-style: chr4-54738455-C-G. GRCh37 (hg19) VCF-style: chr4-55604621-C-G.
Other names: c.2817C>G, p.Ser939Arg (NM_001093772.2, NM_001385292.1); c.2832C>G, p.Ser944Arg (NM_001385284.1); c.2826C>G, p.Ser942Arg (NM_001385285.1); c.2814C>G, p.Ser938Arg (NM_001385286.1); c.2820C>G, p.Ser940Arg (NM_001385288.1); c.2829C>G, p.Ser943Arg (NM_001385290.1); short protein forms S938R, S943R, S944R, S940R, S942R, S939R.
Identifiers: ClinVar variation 4645390 (VCV004645390.1).

ClinVar aggregate classification (germline): Uncertain significance (1 of 4 stars; one submission).

Conditions:
Hereditary cancer-predisposing syndrome. Also called: Neoplastic Syndromes, Hereditary; Tumor predisposition; Hereditary Cancer Syndrome; Hereditary neoplastic syndrome. Identifiers: Orphanet 140162, MedGen C0027672, MeSH D009386, MONDO:0015356.

Submission:

Ambry Genetics
Classification: Uncertain significance for Hereditary cancer-predisposing syndrome. Last evaluated: 2025-11-24. Review status: criteria provided, single submitter. Criteria: Ambry Variant Classification Scheme 2023. Collection method: clinical testing. Allele origin: germline.
Comment: The p.S943R variant (also known as c.2829C>G), located in coding exon 21 of the KIT gene, results from a C to G substitution at nucleotide position 2829. The serine at codon 943 is replaced by arginine, an amino acid with dissimilar properties. This amino acid position is conserved. In addition, this alteration is predicted to be tolerated by in silico analysis. Based on the available evidence, the clinical significance of this variant remains unclear.